The following is an entry in ClinVar:

ClinVar aggregate classification (germline): Uncertain significance. Review status: criteria provided, multiple submitters, no conflicts (2 of 4 stars). 2 submissions from 2 submitters: Uncertain significance (2). Last evaluated 2026-07-18.

Conditions:
Hereditary cancer-predisposing syndrome. Also called: Neoplastic Syndromes, Hereditary; Hereditary Cancer Syndrome; Hereditary neoplastic syndrome; Tumor predisposition. Identifiers: Orphanet 140162, MedGen C0027672, MeSH D009386, MONDO:0015356.
Gastrointestinal stromal tumor. Also called: Gastrointestinal stromal tumor, somatic; Gastrointestinal stroma tumor. Identifiers: Orphanet 44890, MedGen C0238198, MeSH D046152, MONDO:0011719, OMIM 606764, HP:0100723.

gnomAD v4.1: 1 of 1,603,016 alleles (0.000062%); no homozygotes.

Submissions (2):

Ambry Genetics
Classification: Uncertain significance for Hereditary cancer-predisposing syndrome. Last evaluated: 2026-07-18. Review status: criteria provided, single submitter. Criteria: Ambry Variant Classification Scheme 2023. Collection method: clinical testing. Allele origin: germline.
Comment: The p.N933T variant (also known as c.2798A>C), located in coding exon 20 of the KIT gene, results from an A to C substitution at nucleotide position 2798. The asparagine at codon 933 is replaced by threonine, an amino acid with similar properties. This amino acid position is conserved. In addition, this alteration is predicted to be tolerated by in silico analysis. Based on the available evidence, the clinical significance of this variant remains unclear.

Labcorp Genetics (formerly Invitae), Labcorp
Classification: Uncertain significance for Gastrointestinal stromal tumor. Last evaluated: 2025-06-23. Review status: criteria provided, single submitter. Criteria: Invitae Variant Classification Sherloc (09022015). Collection method: clinical testing. Allele origin: germline.
Comment: This sequence change replaces asparagine, which is neutral and polar, with threonine, which is neutral and polar, at codon 933 of the KIT protein (p.Asn933Thr). This variant is present in population databases (no rsID available, gnomAD 0.004%). This variant has not been reported in the literature in individuals affected with KIT-related conditions. ClinVar contains an entry for this variant (Variation ID: 582888). An algorithm developed to predict the effect of missense changes on protein structure and function (PolyPhen-2) suggests that this variant is likely to be tolerated. In summary, the available evidence is currently insufficient to determine the role of this variant in disease. Therefore, it has been classified as a Variant of Uncertain Significance.

NM_000222.3(KIT):c.2798A>C (p.Asn933Thr)

Gene: KIT (KIT proto-oncogene, receptor tyrosine kinase; plus strand). Cytogenetic location: 4q12.
Variant type: single nucleotide variant.
Coding change: c.2798A>C on transcript NM_000222.3 (MANE Select); coding-DNA position 2798, A replaced by C.
Protein change: p.Asn933Thr; replaces asparagine 933 with threonine.
Molecular consequence: missense variant.
Genome position (GRCh38, 1-based): chr4:54,737,276, A>C. VCF-style: chr4-54737276-A-C. GRCh37 (hg19) VCF-style: chr4-55603442-A-C.
Other names: c.2786A>C, p.Asn929Thr (NM_001093772.2, NM_001385292.1); c.2801A>C, p.Asn934Thr (NM_001385284.1); c.2795A>C, p.Asn932Thr (NM_001385285.1); c.2783A>C, p.Asn928Thr (NM_001385286.1); c.2789A>C, p.Asn930Thr (NM_001385288.1); c.2798A>C, p.Asn933Thr (NM_001385290.1); short protein forms N933T, N929T, N928T, N930T, N932T, N934T.
Identifiers: ClinVar variation 582888 (VCV000582888.12), dbSNP rs752222954, ClinGen allele CA356914603.
Genomic context (GRCh38, chr4:54,737,276, plus strand): 5'-AAAGACCAACATTCAAGCAAATTGTTCAGCTAATTGAGAAGCAGATTTCAGAGAGCACCA[A>C]TCATGTGAGTATACCCTGGCCAGGCATAGAATCCCCCTTCTCCCAGTTCCAGGTGTGTCC-3'
Protein context (NP_000213.1, residues 923-943): LIEKQISEST[Asn933Thr]HIYSNLANCS